The following is an entry in ClinVar:

ClinVar aggregate classification (germline): Uncertain significance (1 of 4 stars; one submission).

Submission:

Labcorp Genetics (formerly Invitae), Labcorp
Classification: Uncertain significance. Last evaluated: 2022-09-26. Review status: criteria provided, single submitter. Criteria: Invitae Variant Classification Sherloc (09022015). Collection method: clinical testing. Allele origin: germline.
Comment: In summary, the available evidence is currently insufficient to determine the role of this variant in disease. Therefore, it has been classified as a Variant of Uncertain Significance. Algorithms developed to predict the effect of sequence changes on RNA splicing suggest that this variant may disrupt the consensus splice site. This sequence change replaces glycine, which is neutral and non-polar, with aspartic acid, which is acidic and polar, at codon 81 of the NFE2L2 protein (p.Gly81Asp). This variant is not present in population databases (gnomAD no frequency). This missense change has been observed in individual(s) with developmental delay (PMID: 28135719). Advanced modeling of protein sequence and biophysical properties (such as structural, functional, and spatial information, amino acid conservation, physicochemical variation, residue mobility, and thermodynamic stability) performed at Invitae indicates that this missense variant is expected to disrupt NFE2L2 protein function.

Literature cited by the submitters: PubMed 28135719.

NM_006164.5(NFE2L2):c.242G>A (p.Gly81Asp)

Gene: NFE2L2 (NFE2 like bZIP transcription factor 2; minus strand). Cytogenetic location: 2q31.2.
Variant type: single nucleotide variant.
Coding change: c.242G>A on transcript NM_006164.5 (MANE Select); coding-DNA position 242, G replaced by A.
Protein change: p.Gly81Asp; replaces glycine 81 with aspartic acid.
Molecular consequence: missense variant. On other transcripts: splice donor variant (1), intron variant (1).
Genome position (GRCh38, 1-based): chr2:177,234,075, C>T on the plus strand (G>A on the coding strand, the complement: NFE2L2 is on the minus strand). VCF-style: chr2-177234075-C-T. GRCh37 (hg19) VCF-style: chr2-178098803-C-T.
Other names: c.194G>A, p.Gly65Asp (NM_001145412.3, NM_001145413.3, NM_001313900.1 and 1 more transcripts); c.242G>A, p.Gly81Asp (NM_001313902.2); c.12+1G>A (NM_001313904.1); c.93+149G>A (NM_001313903.2); short protein forms G65D, G81D.
Identifiers: ClinVar variation 2151948 (VCV002151948.4), dbSNP rs2105458507, ClinGen allele CA349380444.